The following is an entry in ClinVar:

ClinVar aggregate classification (germline): Uncertain significance (1 of 4 stars; one submission).

Submission:

Dasa
Classification: Uncertain significance. Last evaluated: 2024-12-02. Review status: criteria provided, single submitter. Criteria: DASA Assertion Criteria. Collection method: clinical testing. Allele origin: germline.
Comment: NM_000834.5(GRIN2B):c.1458T>G (p.His486Gln) is a missense variant that results in the substitution of histidine with glutamine. The affected residue or protein region has prior evidence supporting clinical relevance. This variant is absent from population databases. The currently available literature and clinical evidence are not sufficient to establish a definitive association between this variant and the reported condition. Therefore, this variant is classified as a variant of uncertain significance.

NM_000834.5(GRIN2B):c.1458T>G (p.His486Gln)

Gene: GRIN2B (glutamate ionotropic receptor NMDA type subunit 2B; minus strand). Cytogenetic location: 12p13.1.
Variant type: single nucleotide variant.
Coding change: c.1458T>G on transcript NM_000834.5 (MANE Select); coding-DNA position 1458, T replaced by G.
Protein change: p.His486Gln; replaces histidine 486 with glutamine.
Molecular consequence: missense variant.
Genome position (GRCh38, 1-based): chr12:13,615,535, A>C on the plus strand (T>G on the coding strand, the complement: GRIN2B is on the minus strand). VCF-style: chr12-13615535-A-C. GRCh37 (hg19) VCF-style: chr12-13768469-A-C.
Other names: c.1458T>G, p.His486Gln (NM_001413992.1); short protein forms H486Q.
Identifiers: ClinVar variation 4882791 (VCV004882791.2).